The following is an entry in ClinVar:

NM_001378454.1(ALMS1):c.74_75insGGAGGAGGAGGAGGAAGAGGAGGAGGAGGAGGA (p.Glu18_Glu28dup)

Gene: ALMS1 (ALMS1 centrosome and basal body associated protein; plus strand). Cytogenetic location: 2p13.1.
Variant type: Microsatellite.
Coding change: c.74_75insGGAGGAGGAGGAGGAAGAGGAGGAGGAGGAGGA on transcript NM_001378454.1 (MANE Select); coding-DNA positions 74 to 75, GGAGGAGGAGGAGGAAGAGGAGGAGGAGGAGGA inserted.
Protein change: p.Glu18_Glu28dup.
Molecular consequence: inframe insertion.
Genome position: GRCh38: chr2:73,385,926-73,385,942. GRCh37 (hg19): chr2:73,613,054-73,613,070.
Other names: c.77_78insGGAGGAGGAGGAGGAAGAGGAGGAGGAGGAGGA, p.Glu19_Glu29dup (NM_015120.4).
Identifiers: ClinVar variation 1061404 (VCV001061404.4), dbSNP rs2104057327.

ClinVar aggregate classification (germline): Uncertain significance (1 of 4 stars; one submission).

Conditions:
Alstrom syndrome (ALMS). Identifiers: Orphanet 64, MedGen C0268425, MONDO:0008763, OMIM 203800.

Submission:

Labcorp Genetics (formerly Invitae), Labcorp
Classification: Uncertain significance for Alstrom syndrome. Last evaluated: 2022-02-03. Review status: criteria provided, single submitter. Criteria: Invitae Variant Classification Sherloc (09022015). Collection method: clinical testing. Allele origin: germline.
Comment: This variant, c.77_78insGGAGGAGGAGGAGGAAGAGGAGGAGGAGGAGGA, results in the insertion of 11 amino acid(s) of the ALMS1 protein (p.Glu19_Glu29dup), but otherwise preserves the integrity of the reading frame. This variant is not present in population databases (gnomAD no frequency). This variant has not been reported in the literature in individuals affected with ALMS1-related conditions. ClinVar contains an entry for this variant (Variation ID: 1061404). Experimental studies and prediction algorithms are not available or were not evaluated, and the functional significance of this variant is currently unknown. In summary, the available evidence is currently insufficient to determine the role of this variant in disease. Therefore, it has been classified as a Variant of Uncertain Significance.